The following is an entry in ClinVar:

ClinVar aggregate classification (germline): Pathogenic. Review status: criteria provided, multiple submitters, no conflicts (2 of 4 stars). 4 submissions from 4 submitters: Pathogenic (4). Last evaluated 2025-08-07.

Conditions:
Adams-Oliver syndrome 5 (AOS5). Identifiers: Orphanet 974, MedGen C4014970, MONDO:0014459, OMIM 616028.
Familial thoracic aortic aneurysm and aortic dissection (TAAD). Also called: Thoracic aortic aneurysms and dissections. Identifiers: Orphanet 91387, MedGen C4707243, MONDO:0019625.

Submissions (4):

Labcorp Genetics (formerly Invitae), Labcorp
Classification: Pathogenic for Adams-Oliver syndrome 5. Last evaluated: 2025-08-07. Review status: criteria provided, single submitter. Criteria: Invitae Variant Classification Sherloc (09022015). Collection method: clinical testing. Allele origin: germline.
Comment: This sequence change creates a premature translational stop signal (p.Arg448*) in the NOTCH1 gene. It is expected to result in an absent or disrupted protein product. Loss-of-function variants in NOTCH1 are known to be pathogenic (PMID: 16025100, 21457232, 25132448, 25963545, 32720365, 33630301). This variant is not present in population databases (gnomAD no frequency). This premature translational stop signal has been observed in individual(s) with NOTCH1-related conditions (PMID: 30582441, 34328347, 34461831). ClinVar contains an entry for this variant (Variation ID: 222756). For these reasons, this variant has been classified as Pathogenic.

Women's Health and Genetics/Laboratory Corporation of America, LabCorp
Classification: Pathogenic for Adams-Oliver syndrome 5. Last evaluated: 2024-07-01. Review status: criteria provided, single submitter. Criteria: LabCorp Variant Classification Summary - May 2015. Collection method: clinical testing. Allele origin: germline.
Comment: Variant summary: NOTCH1 c.1342C>T (p.Arg448X) results in a premature termination codon, predicted to cause a truncation of the encoded protein or absence of the protein due to nonsense mediated decay, which are commonly known mechanisms for disease. The variant was absent in 247760 control chromosomes. c.1342C>T has been reported in the literature in individuals affected with NOTCH1 related conditions (e.g. Ma_2021). To our knowledge, no experimental evidence demonstrating an impact on protein function has been reported. The following publication have been ascertained in the context of this evaluation (PMID: 34461831). ClinVar contains an entry for this variant (Variation ID: 222756). Based on the evidence outlined above, the variant was classified as pathogenic.

GeneDx
Classification: Pathogenic. Last evaluated: 2024-03-11. Review status: criteria provided, single submitter. Criteria: GeneDx Variant Classification Process June 2021. Collection method: clinical testing. Allele origin: germline. Affected: yes.
Comment: Nonsense variant predicted to result in protein truncation or nonsense mediated decay in a gene for which loss of function is a known mechanism of disease; Not observed at significant frequency in large population cohorts (gnomAD); This variant is associated with the following publications: (PMID: 33084842, 34461831, 34328347, 30582441, 35947102, 33726816)

Ambry Genetics
Classification: Pathogenic for Familial thoracic aortic aneurysm and aortic dissection. Last evaluated: 2023-07-03. Review status: criteria provided, single submitter. Criteria: Ambry Variant Classification Scheme 2023. Collection method: clinical testing. Allele origin: germline.
Comment: The p.R448* pathogenic mutation (also known as c.1342C>T), located in coding exon 8 of the NOTCH1 gene, results from a C to T substitution at nucleotide position 1342. This changes the amino acid from an arginine to a stop codon within coding exon 8. This variant is considered to be rare based on population cohorts in the Genome Aggregation Database (gnomAD). This alteration is expected to result in loss of function by premature protein truncation or nonsense-mediated mRNA decay. As such, this alteration is interpreted as a disease-causing mutation.

Literature cited by the submitters: PubMed 16025100 (cited by Labcorp Genetics (formerly Invitae), Labcorp); PubMed 21457232 (cited by Labcorp Genetics (formerly Invitae), Labcorp); PubMed 25132448 (cited by Labcorp Genetics (formerly Invitae), Labcorp); PubMed 25963545 (cited by Labcorp Genetics (formerly Invitae), Labcorp); PubMed 32720365 (cited by Labcorp Genetics (formerly Invitae), Labcorp); PubMed 33630301 (cited by Labcorp Genetics (formerly Invitae), Labcorp); PubMed 30582441 (cited by Labcorp Genetics (formerly Invitae), Labcorp); PubMed 34328347 (cited by Labcorp Genetics (formerly Invitae), Labcorp); PubMed 34461831 (cited by Labcorp Genetics (formerly Invitae), Labcorp and Women's Health and Genetics/Laboratory Corporation of America, LabCorp).

NM_017617.5(NOTCH1):c.1342C>T (p.Arg448Ter)

Gene: NOTCH1 (notch receptor 1; minus strand). Cytogenetic location: 9q34.3.
Variant type: single nucleotide variant.
Coding change: c.1342C>T on transcript NM_017617.5 (MANE Select); coding-DNA position 1342, C replaced by T.
Protein change: p.Arg448Ter; replaces arginine 448 with a stop codon.
Molecular consequence: nonsense.
Genome position (GRCh38, 1-based): chr9:136,517,851, G>A on the plus strand (C>T on the coding strand, the complement: NOTCH1 is on the minus strand). VCF-style: chr9-136517851-G-A. GRCh37 (hg19) VCF-style: chr9-139412303-G-A.
Other names: c.1342C>T, p.Arg448Ter (LRG_1122t1); short protein forms R448*.
Identifiers: ClinVar variation 222756 (VCV000222756.10), dbSNP rs869025494, ClinGen allele CA352076.